The following is an entry in ClinVar:

NM_182961.4(SYNE1):c.1262C>T (p.Ala421Val)

Gene: SYNE1 (spectrin repeat containing nuclear envelope protein 1; minus strand). Cytogenetic location: 6q25.2.
Variant type: single nucleotide variant.
Coding change: c.1262C>T on transcript NM_182961.4 (MANE Select); coding-DNA position 1262, C replaced by T.
Protein change: p.Ala421Val; replaces alanine 421 with valine.
Molecular consequence: missense variant.
Genome position (GRCh38, 1-based): chr6:152,483,173, G>A on the plus strand (C>T on the coding strand, the complement: SYNE1 is on the minus strand). VCF-style: chr6-152483173-G-A. GRCh37 (hg19) VCF-style: chr6-152804308-G-A.
Other names: c.1262C>T (NM_182961.2); c.1283C>T, p.Ala428Val (NM_033071.5); short protein forms A428V, A421V.
Identifiers: ClinVar variation 355942 (VCV000355942.15), dbSNP rs150409035, ClinGen allele CA4059475.

ClinVar aggregate classification (germline): Conflicting classifications of pathogenicity. Review status: criteria provided, conflicting classifications (1 of 4 stars). 5 submissions from 4 submitters: Uncertain significance (4); Likely benign (1). Last evaluated 2025-06-03.

Conditions:
Emery-Dreifuss muscular dystrophy 4, autosomal dominant (EDMD4). Also called: EMERY-DREIFUSS MUSCULAR DYSTROPHY 4 WITH VARIABLE FEATURES. Identifiers: Orphanet 261, MedGen C2751807, MONDO:0013071, OMIM 612998.
Autosomal recessive ataxia, Beauce type. Also called: Spinocerebellar ataxia, autosomal recessive 8; ATAXIA, RECESSIVE, OF BEAUCE; SYNE1-Related Autosomal Recessive Cerebellar Ataxia; SYNE1 Deficiency. Identifiers: Orphanet 88644, MedGen C1853116, MONDO:0012549, OMIM 610743.

Allele frequency attached by ClinVar (database versions not stated): gnomAD 0.00003 and 0.00004; gnomAD exomes 0.00004; TOPMed 0.00006; ExAC 0.00007; ESP Exome Variant Server 0.00008.
gnomAD v4.1: 103 of 1,613,992 alleles (0.0064%); highest among the groups gnomAD compares: Non-Finnish European, 0.0071%; no homozygotes.

Submissions (5):

GeneDx
Classification: Uncertain significance. Last evaluated: 2025-06-03. Review status: criteria provided, single submitter. Criteria: GeneDx Variant Classification Process June 2021. Collection method: clinical testing. Allele origin: germline.
Comment: In silico analysis supports that this missense variant has a deleterious effect on protein structure/function; Has not been previously published as pathogenic or benign to our knowledge

Labcorp Genetics (formerly Invitae), Labcorp
Classification: Uncertain significance for Emery-Dreifuss muscular dystrophy 4, autosomal dominant; Autosomal recessive ataxia, Beauce type. Last evaluated: 2025-01-06. Review status: criteria provided, single submitter. Criteria: Invitae Variant Classification Sherloc (09022015). Collection method: clinical testing. Allele origin: germline.
Comment: This sequence change replaces alanine, which is neutral and non-polar, with valine, which is neutral and non-polar, at codon 428 of the SYNE1 protein (p.Ala428Val). This variant is present in population databases (rs150409035, gnomAD 0.01%). This variant has not been reported in the literature in individuals affected with SYNE1-related conditions. ClinVar contains an entry for this variant (Variation ID: 355942). An algorithm developed to predict the effect of missense changes on protein structure and function (PolyPhen-2) suggests that this variant is likely to be disruptive. In summary, the available evidence is currently insufficient to determine the role of this variant in disease. Therefore, it has been classified as a Variant of Uncertain Significance.

Athena Diagnostics
Classification: Uncertain significance. Last evaluated: 2024-01-23. Review status: criteria provided, single submitter. Criteria: Athena Diagnostics Criteria. Collection method: clinical testing. Allele origin: unknown.
Comment: Available data are insufficient to determine the clinical significance of the variant at this time. The frequency of this variant in the general population is uninformative in assessment of its pathogenicity. Computational tools disagree on the variant's effect on normal protein function.

Illumina Laboratory Services, Illumina
Classification: Likely benign for Emery-Dreifuss muscular dystrophy 4, autosomal dominant. Last evaluated: 2018-01-13. Review status: criteria provided, single submitter. Criteria: ICSL Variant Classification Criteria 13 December 2019. Collection method: clinical testing. Allele origin: germline.
Comment: This variant was observed in the ICSL laboratory as part of a predisposition screen in an ostensibly healthy population. It had not been previously curated by ICSL or reported in the Human Gene Mutation Database (HGMD: prior to June 1st, 2018), and was therefore a candidate for classification through an automated scoring system. Utilizing variant allele frequency, disease prevalence and penetrance estimates, and inheritance mode, an automated score was calculated to assess if this variant is too frequent to cause the disease. Based on the score and internal cut-off values, a variant classified as likely benign is not then subjected to further curation. The score for this variant resulted in a classification of likely benign for this disease.

Illumina Laboratory Services, Illumina
Classification: Uncertain significance for Autosomal recessive ataxia, Beauce type. Last evaluated: 2018-01-13. Review status: criteria provided, single submitter. Criteria: ICSL Variant Classification Criteria 13 December 2019. Collection method: clinical testing. Allele origin: germline.